The following is an entry in ClinVar:

NM_020937.4(FANCM):c.3186A>T (p.Glu1062Asp)

Gene: FANCM (FA complementation group M; plus strand). Cytogenetic location: 14q21.2.
Variant type: single nucleotide variant.
Coding change: c.3186A>T on transcript NM_020937.4 (MANE Select); coding-DNA position 3186, A replaced by T.
Protein change: p.Glu1062Asp; replaces glutamic acid 1062 with aspartic acid.
Molecular consequence: missense variant.
Genome position (GRCh38, 1-based): chr14:45,175,940, A>T. VCF-style: chr14-45175940-A-T. GRCh37 (hg19) VCF-style: chr14-45645143-A-T.
Other names: c.3108A>T, p.Glu1036Asp (NM_001308133.2); short protein forms E1036D, E1062D.
Identifiers: ClinVar variation 5036568 (VCV005036568.1).

ClinVar aggregate classification (germline): Uncertain significance (1 of 4 stars; one submission).

Conditions:
Inborn genetic diseases. Identifiers: MedGen C0950123, MeSH D030342.

Submission:

Ambry Genetics
Classification: Uncertain significance for Inborn genetic diseases. Last evaluated: 2026-06-20. Review status: criteria provided, single submitter. Criteria: Ambry Variant Classification Scheme 2023. Collection method: clinical testing. Allele origin: germline.
Comment: The p.E1062D variant (also known as c.3186A>T), located in coding exon 14 of the FANCM gene, results from an A to T substitution at nucleotide position 3186. The glutamic acid at codon 1062 is replaced by aspartic acid, an amino acid with highly similar properties. This amino acid position is conserved. In addition, this alteration is predicted to be tolerated by in silico analysis. Based on the available evidence, the clinical significance of this variant remains unclear.